The following is an entry in ClinVar:

ClinVar aggregate classification (germline): Uncertain significance. Review status: criteria provided, multiple submitters, no conflicts (2 of 4 stars). 2 submissions from 2 submitters: Uncertain significance (2). Last evaluated 2025-07-14.

Conditions:
Inborn genetic diseases. Identifiers: MedGen C0950123, MeSH D030342.
Progressive sclerosing poliodystrophy (MTDPS4A). Also called: ALPERS PROGRESSIVE INFANTILE POLIODYSTROPHY; NEURONAL DEGENERATION OF CHILDHOOD WITH LIVER DISEASE, PROGRESSIVE; Alpers Syndrome; ALPERS DIFFUSE DEGENERATION OF CEREBRAL GRAY MATTER WITH HEPATIC CIRRHOSIS; Alpers-Huttenlocher Syndrome; Mitochondrial DNA depletion syndrome 4A (Alpers type). Identifiers: Orphanet 726, MedGen C0205710, MONDO:0008758, OMIM 203700.

gnomAD v4.1: 14 of 1,604,380 alleles (0.00087%); highest among the groups gnomAD compares: Non-Finnish European, 0.00076%; no homozygotes.

Submissions (2):

Ambry Genetics
Classification: Uncertain significance for Inborn genetic diseases. Last evaluated: 2025-07-14. Review status: criteria provided, single submitter. Criteria: Ambry Variant Classification Scheme 2023. Collection method: clinical testing. Allele origin: germline.

Labcorp Genetics (formerly Invitae), Labcorp
Classification: Uncertain significance for Progressive sclerosing poliodystrophy. Last evaluated: 2024-10-05. Review status: criteria provided, single submitter. Criteria: Invitae Variant Classification Sherloc (09022015). Collection method: clinical testing. Allele origin: germline.
Comment: This sequence change replaces proline, which is neutral and non-polar, with leucine, which is neutral and non-polar, at codon 116 of the POLG protein (p.Pro116Leu). This variant is present in population databases (rs747828222, gnomAD 0.005%). This variant has not been reported in the literature in individuals affected with POLG-related conditions. Invitae Evidence Modeling of protein sequence and biophysical properties (such as structural, functional, and spatial information, amino acid conservation, physicochemical variation, residue mobility, and thermodynamic stability) has been performed for this missense variant. However, the output from this modeling did not meet the statistical confidence thresholds required to predict the impact of this variant on POLG protein function. In summary, the available evidence is currently insufficient to determine the role of this variant in disease. Therefore, it has been classified as a Variant of Uncertain Significance.

NM_002693.3(POLG):c.347C>T (p.Pro116Leu)

Genes: POLG (DNA polymerase gamma, catalytic subunit; minus strand), POLGARF (POLG alternative reading frame; minus strand). Cytogenetic location: 15q26.1.
Variant type: single nucleotide variant.
Coding change: c.347C>T on transcript NM_002693.3 (MANE Select); coding-DNA position 347, C replaced by T.
Protein change: p.Pro116Leu; replaces proline 116 with leucine.
Molecular consequence: missense variant. On other transcripts: synonymous variant (1).
Genome position (GRCh38, 1-based): chr15:89,333,408, G>A on the plus strand (C>T on the coding strand, the complement: POLG is on the minus strand). VCF-style: chr15-89333408-G-A. GRCh37 (hg19) VCF-style: chr15-89876639-G-A.
Other names: c.402C>T, p.Ala134= (NM_001430120.1); c.347C>T, p.Pro116Leu (NM_001126131.2); short protein forms P116L.
Identifiers: ClinVar variation 3713826 (VCV003713826.3).